The following is an entry in ClinVar:

ClinVar aggregate classification (germline): Pathogenic. Review status: criteria provided, multiple submitters, no conflicts (2 of 4 stars). 3 submissions from 3 submitters: Pathogenic (3). Last evaluated 2023-09-11.

Conditions:
ABCA4-related disorder. Also called: ABCA4-related disorders; ABCA4-related condition. Identifiers: MedGen CN239167.

Submissions (3):

Labcorp Genetics (formerly Invitae), Labcorp
Classification: Pathogenic. Last evaluated: 2023-09-11. Review status: criteria provided, single submitter. Criteria: Invitae Variant Classification Sherloc (09022015). Collection method: clinical testing. Allele origin: germline.
Comment: For these reasons, this variant has been classified as Pathogenic. This variant is also known as c.3392delC/3393C>G (p.A1131Gfs). This premature translational stop signal has been observed in individual(s) with ABCA4-related conditions (PMID: 23982839). Information on the frequency of this variant in the gnomAD database is not available, as this variant may be reported differently in the database. This sequence change creates a premature translational stop signal (p.Ala1131Glyfs*17) in the ABCA4 gene. It is expected to result in an absent or disrupted protein product. Loss-of-function variants in ABCA4 are known to be pathogenic (PMID: 10958761, 24938718, 25312043, 26780318).

Revvity Omics, Revvity
Classification: Pathogenic. Last evaluated: 2022-06-22. Review status: criteria provided, single submitter. Criteria: ACMG Guidelines, 2015. Collection method: clinical testing. Allele origin: germline.

Blueprint Genetics
Classification: Pathogenic for ABCA4-related disorders. Last evaluated: 2022-04-21. Review status: criteria provided, single submitter. Criteria: ACMG Guidelines, 2015. Collection method: clinical testing. Allele origin: germline. Affected: yes. Observed: 1 variant allele.

Literature cited by the submitters: PubMed 23982839 (cited by Labcorp Genetics (formerly Invitae), Labcorp); PubMed 10958761 (cited by Labcorp Genetics (formerly Invitae), Labcorp); PubMed 24938718 (cited by Labcorp Genetics (formerly Invitae), Labcorp); PubMed 25312043 (cited by Labcorp Genetics (formerly Invitae), Labcorp); PubMed 26780318 (cited by Labcorp Genetics (formerly Invitae), Labcorp).

NM_000350.3(ABCA4):c.3392_3393delinsG (p.Ala1131fs)

Gene: ABCA4 (ATP binding cassette subfamily A member 4; minus strand). Cytogenetic location: 1p22.1.
Variant type: Indel.
Coding change: c.3392_3393delinsG on transcript NM_000350.3 (MANE Select); coding-DNA positions 3392 to 3393, CC replaced by G.
Protein change: p.Ala1131fs; shifts the reading frame from alanine 1131.
Molecular consequence: frameshift variant.
Genome position (GRCh38, 1-based): chr1:94,041,338-94,041,339, GG replaced by C on the plus strand (CC replaced by G on the coding strand, the reverse complement: ABCA4 is on the minus strand). VCF-style: chr1-94041338-GG-C. GRCh37 (hg19) VCF-style: chr1-94506894-GG-C.
Other names: c.3170_3171delCCinsG, p.Ala1057Glyfs (NM_001425324.1); short protein forms A1131fs.
Identifiers: ClinVar variation 2202790 (VCV002202790.8), dbSNP rs61750124, ClinGen allele CA645372188.